The following is an entry in ClinVar:

ClinVar aggregate classification (germline): Benign/Likely benign. Review status: criteria provided, multiple submitters, no conflicts (2 of 4 stars). 6 submissions from 6 submitters: Benign (3); Likely benign (2). 1 of the submissions does not count toward it. Last evaluated 2025-11-25.

Conditions:
BRAF-related disorder. Also called: BRAF-related condition.
RASopathy. Also called: Noonan spectrum disorder; rasopathies. Identifiers: Orphanet 536391, MedGen C5555857, MONDO:0021060.

Allele frequency attached by ClinVar (database versions not stated): ExAC 0.00468.

Submissions (8):

Labcorp Genetics (formerly Invitae), Labcorp
Classification: Likely benign for RASopathy. Last evaluated: 2025-11-25. Review status: criteria provided, single submitter. Criteria: Invitae Variant Classification Sherloc (09022015). Collection method: clinical testing. Allele origin: germline.

Blueprint Genetics
Classification: Likely benign. Last evaluated: 2024-11-17. Review status: criteria provided, single submitter. Criteria: ACMG Guidelines, 2015. Collection method: clinical testing. Allele origin: germline.

Women's Health and Genetics/Laboratory Corporation of America, LabCorp
Classification: Benign. Last evaluated: 2020-06-15. Review status: criteria provided, single submitter. Criteria: LabCorp Variant Classification Summary - May 2015. Collection method: clinical testing. Allele origin: germline.
Comment: Variant summary: BRAF c.2128-16C>T alters a non-conserved nucleotide located close to a canonical splice site and therefore could affect mRNA splicing, leading to a significantly altered protein sequence. 4/4 computational tools predict no significant impact on normal splicing. However, these predictions have yet to be confirmed by functional studies. The variant allele was found at a frequency of 0.01254 in 25748 control chromosomes (gnomAD v3). This variant frequency is approximately 5016-fold of the estimated maximal expected allele frequency for a pathogenic variant in BRAF causing Noonan Syndrome and Related Conditions phenotype (2.5e-06), strongly suggesting that the variant is a benign polymorphism. To our knowledge, no occurrence of c.2128-16C>T in individuals affected with Noonan Syndrome And Related Conditions and no experimental evidence demonstrating its impact on protein function have been reported. A ClinVar submitter (evaluation in 2014) cites the variant as Benign. Based on the evidence outlined above, the variant was classified as benign.

GeneDx
Classification: Benign. Last evaluated: 2014-01-08. Review status: criteria provided, single submitter. Criteria: GeneDx Variant Classification (06012015). Collection method: clinical testing. Allele origin: germline. Affected: yes.
Comment: This variant is considered likely benign or benign based on one or more of the following criteria: it is a conservative change, it occurs at a poorly conserved position in the protein, it is predicted to be benign by multiple in silico algorithms, and/or has population frequency not consistent with disease.

Breakthrough Genomics
Classification: Benign. Review status: criteria provided, single submitter. Criteria: ACMG Guidelines, 2015. Collection method: not provided. Allele origin: germline. Inheritance: Autosomal dominant inheritance. Affected: yes.

PreventionGenetics, part of Exact Sciences
Classification: Likely benign for BRAF-related condition. Last evaluated: 2022-05-06. Review status: no assertion criteria provided. Collection method: clinical testing. Allele origin: germline. Not counted in ClinVar's aggregate classification.
Comment: This variant is classified as likely benign based on ACMG/AMP sequence variant interpretation guidelines (Richards et al. 2015 PMID: 25741868, with internal and published modifications).

Dr. Peter K. Rogan Lab, Western University
No classification provided (evidence only). Condition: Malignant lymphoma, large B-cell, diffuse. Review status: no classification provided. Collection method: in vitro. Allele origin: not applicable. Functional consequence: retained intron. Not counted in ClinVar's aggregate classification.

Dr. Peter K. Rogan Lab, Western University
No classification provided (evidence only). Condition: Cholangiocarcinoma. Review status: no classification provided. Collection method: in vitro. Allele origin: not applicable. Functional consequence: retained intron. Not counted in ClinVar's aggregate classification.

Literature cited by the submitters: PubMed 24920063 (cited by Women's Health and Genetics/Laboratory Corporation of America, LabCorp).

NM_004333.6(BRAF):c.2128-16C>T

Gene: BRAF (B-Raf proto-oncogene, serine/threonine kinase; minus strand). Cytogenetic location: 7q34.
Variant type: single nucleotide variant.
Coding change: c.2128-16C>T on transcript NM_004333.6 (MANE Select); 16 bases into the intron before coding-DNA position 2128, C replaced by T.
Molecular consequence: intron variant.
Genome position (GRCh38, 1-based): chr7:140,734,786, G>A on the plus strand (C>T on the coding strand, the complement: BRAF is on the minus strand). VCF-style: chr7-140734786-G-A. GRCh37 (hg19) VCF-style: chr7-140434586-G-A.
Other names: c.2127+5026C>T (NM_001378474.1, NM_001378468.1); c.2026-16C>T (NM_001378470.1); c.1864-16C>T (NM_001378475.1); c.2017-16C>T (NM_001378471.1); c.2128-16C>T (NM_001354609.2); c.2248-16C>T (NM_001374258.1, NM_001374244.1); c.2137-16C>T (NM_001378467.1); c.1972-16C>T (NM_001378472.1, NM_001378473.1); and 1 more.
Identifiers: ClinVar variation 136535 (VCV000136535.11), dbSNP rs368721021, ClinGen allele CA289731.